The following is an entry in ClinVar:

NM_000061.3(BTK):c.467del (p.Ser156fs)

Gene: BTK (Bruton tyrosine kinase; minus strand). Cytogenetic location: Xq22.1.
Variant type: Deletion.
Coding change: c.467del on transcript NM_000061.3 (MANE Select); coding-DNA position 467, one base deleted (C; older notation c.467delC).
Protein change: p.Ser156fs; shifts the reading frame from serine 156.
Molecular consequence: frameshift variant.
Genome position (GRCh38, 1-based): chrX:101,362,614, G deleted on the plus strand (C on the coding strand, the reverse complement: BTK is on the minus strand). VCF-style (leftmost placement, unchanged base first): chrX-101362613-AG-A. GRCh37 (hg19) VCF-style: chrX-100617601-AG-A.
Other names: c.467delC, p.Ser156Phefs (NM_000061.2); c.569del, p.Ser190fs (NM_001287344.2); c.467del, p.Ser156fs (NM_001287345.2); short protein forms S156fs, S190fs.
Identifiers: ClinVar variation 3382900 (VCV003382900.2).

ClinVar aggregate classification (germline): Pathogenic (1 of 4 stars; one submission).

Conditions:
X-linked agammaglobulinemia with growth hormone deficiency (IGHD3). Also called: FLEISHER SYNDROME; HYPOGAMMAGLOBULINEMIA AND ISOLATED GROWTH HORMONE DEFICIENCY, X-LINKED; IGHD III; AGAMMAGLOBULINEMIA AND ISOLATED GROWTH HORMONE DEFICIENCY, X-LINKED; Isolated growth hormone deficiency type 3; Growth hormone deficiency with hypogammaglobulinemia. Identifiers: Orphanet 231692, Orphanet 631, MedGen C0472813, MONDO:0010615, OMIM 307200.
X-linked agammaglobulinemia (XLA). Also called: Bruton's agammaglobulinemia; AGAMMAGLOBULINEMIA, X-LINKED, TYPE 1; IMMUNODEFICIENCY 1; Agammaglobulinemia, Bruton tyrosine kinase; Agammaglobulinemia, BTK; BTK-deficiency. Identifiers: Orphanet 229717, Orphanet 47, MedGen C0221026, MONDO:0010421, OMIM 300755.

Submission:

Juno Genomics, Hangzhou Juno Genomics, Inc
Classification: Pathogenic for X-linked agammaglobulinemia; X-linked agammaglobulinemia with growth hormone deficiency. Review status: criteria provided, single submitter. Criteria: ACMG Guidelines, 2015. Collection method: clinical testing. Allele origin: germline. Affected: yes.
Comment: Null variant in a gene where loss of function (LOF) is a known mechanism of disease.;Absent from controls (or at extremely low frequency if recessive) in Genome Aggregation Database, Exome Sequencing Project, 1000 Genomes Project, or Exome Aggregation Consortium.;Patient's phenotype or family history is highly specific for a disease with a single genetic etiology.